The following is an entry in ClinVar:

ClinVar aggregate classification (germline): Uncertain significance. Review status: criteria provided, multiple submitters, no conflicts (2 of 4 stars). 3 submissions from 3 submitters: Uncertain significance (3). Last evaluated 2025-05-09.

Conditions:
Inborn genetic diseases. Identifiers: MedGen C0950123, MeSH D030342.

Allele frequency attached by ClinVar (database versions not stated): 1000 Genomes Project 0.00020; gnomAD 0.00005; TOPMed 0.00005; 1000 Genomes Project 30x 0.00016; ExAC 0.00004; gnomAD exomes 0.00008 and 0.00009.
gnomAD v4.1: 143 of 1,612,714 alleles (0.0089%); highest among the groups gnomAD compares: Non-Finnish European, 0.011%; no homozygotes.

Submissions (3):

GeneDx
Classification: Uncertain significance. Last evaluated: 2025-05-09. Review status: criteria provided, single submitter. Criteria: GeneDx Variant Classification Process June 2021. Collection method: clinical testing. Allele origin: germline. Affected: yes.
Comment: In silico analysis supports that this missense variant has a deleterious effect on protein structure/function; Has not been previously published as pathogenic or benign to our knowledge

Labcorp Genetics (formerly Invitae), Labcorp
Classification: Uncertain significance. Last evaluated: 2021-12-09. Review status: criteria provided, single submitter. Criteria: Invitae Variant Classification Sherloc (09022015). Collection method: clinical testing. Allele origin: germline.
Comment: This sequence change replaces alanine, which is neutral and non-polar, with valine, which is neutral and non-polar, at codon 1020 of the LAMA5 protein (p.Ala1020Val). This variant is present in population databases (rs576876044, gnomAD 0.01%). This variant has not been reported in the literature in individuals affected with LAMA5-related conditions. Algorithms developed to predict the effect of missense changes on protein structure and function are either unavailable or do not agree on the potential impact of this missense change (SIFT: "Deleterious"; PolyPhen-2: "Probably Damaging"; Align-GVGD: "Class C15"). Algorithms developed to predict the effect of sequence changes on RNA splicing suggest that this variant may create or strengthen a splice site. In summary, the available evidence is currently insufficient to determine the role of this variant in disease. Therefore, it has been classified as a Variant of Uncertain Significance.

Ambry Genetics
Classification: Uncertain significance for Inborn genetic diseases. Last evaluated: 2021-10-12. Review status: criteria provided, single submitter. Criteria: Ambry Variant Classification Scheme 2023. Collection method: clinical testing. Allele origin: germline.

NM_005560.6(LAMA5):c.3059C>T (p.Ala1020Val)

Gene: LAMA5 (laminin subunit alpha 5; minus strand). Cytogenetic location: 20q13.33.
Variant type: single nucleotide variant.
Coding change: c.3059C>T on transcript NM_005560.6 (MANE Select); coding-DNA position 3059, C replaced by T.
Protein change: p.Ala1020Val; replaces alanine 1020 with valine.
Molecular consequence: missense variant.
Genome position (GRCh38, 1-based): chr20:62,333,444, G>A on the plus strand (C>T on the coding strand, the complement: LAMA5 is on the minus strand). VCF-style: chr20-62333444-G-A. GRCh37 (hg19) VCF-style: chr20-60908500-G-A.
Other names: c.3059C>T (NM_005560.3); short protein forms A1020V.
Identifiers: ClinVar variation 1419226 (VCV001419226.5), dbSNP rs576876044, ClinGen allele CA9943188.
Genomic context (GRCh38, chr20:62,333,444, plus strand): 5'-GACTGCTGGGCAGAGGGACGGTATGTGCAGGCCTCAGTCACCCGCAGCTGCAGGAGCGCC[G>A]CCTCGTAGTATGCGCTAGGCAGCAGAACCACGTAGTCCTGCAGGGTGGAGGTGGTGCTGA-3'
Protein context (NP_005551.3, residues 1010-1030): VVLLPSAYYE[Ala1020Val]ALLQLRVTEA